The following is an entry in ClinVar:

NM_025144.4(ALPK1):c.364G>C (p.Asp122His)

Gene: ALPK1 (alpha kinase 1; plus strand). Cytogenetic location: 4q25.
Variant type: single nucleotide variant.
Coding change: c.364G>C on transcript NM_025144.4 (MANE Select); coding-DNA position 364, G replaced by C.
Protein change: p.Asp122His; replaces aspartic acid 122 with histidine.
Molecular consequence: missense variant.
Genome position (GRCh38, 1-based): chr4:112,411,914, G>C. VCF-style: chr4-112411914-G-C. GRCh37 (hg19) VCF-style: chr4-113333070-G-C.
Other names: c.364G>C, p.Asp122His (NM_001102406.2); c.130G>C, p.Asp44His (NM_001253884.2); short protein forms D122H, D44H.
Identifiers: ClinVar variation 2964130 (VCV002964130.3), dbSNP rs1336343869, ClinGen allele CA357990612.

ClinVar aggregate classification (germline): Uncertain significance (1 of 4 stars; one submission).

Allele frequency attached by ClinVar (database versions not stated): gnomAD exomes below 0.00001.
gnomAD v4.1: 1 of 1,614,092 alleles (0.000062%); highest among the groups gnomAD compares: Admixed American, 0.0017%; no homozygotes.

Submission:

Labcorp Genetics (formerly Invitae), Labcorp
Classification: Uncertain significance. Last evaluated: 2023-03-17. Review status: criteria provided, single submitter. Criteria: Invitae Variant Classification Sherloc (09022015). Collection method: clinical testing. Allele origin: germline.
Comment: This variant has not been reported in the literature in individuals affected with ALPK1-related conditions. In summary, the available evidence is currently insufficient to determine the role of this variant in disease. Therefore, it has been classified as a Variant of Uncertain Significance. Advanced modeling of protein sequence and biophysical properties (such as structural, functional, and spatial information, amino acid conservation, physicochemical variation, residue mobility, and thermodynamic stability) performed at Invitae indicates that this missense variant is expected to disrupt ALPK1 protein function. This variant is present in population databases (no rsID available, gnomAD 0.003%). This sequence change replaces aspartic acid, which is acidic and polar, with histidine, which is basic and polar, at codon 122 of the ALPK1 protein (p.Asp122His).